The following is an entry in ClinVar:

NM_002878.4(RAD51D):c.250A>G (p.Thr84Ala)

Genes: RAD51D (RAD51 paralog D; minus strand), RAD51L3-RFFL (RAD51L3-RFFL readthrough; minus strand). Cytogenetic location: 17q12.
Variant type: single nucleotide variant.
Coding change: c.250A>G on transcript NM_002878.4 (MANE Select); coding-DNA position 250, A replaced by G.
Protein change: p.Thr84Ala; replaces threonine 84 with alanine.
Molecular consequence: missense variant. On other transcripts: intron variant (2).
Genome position (GRCh38, 1-based): chr17:35,118,514, T>C on the plus strand (A>G on the coding strand, the complement: RAD51D is on the minus strand). VCF-style: chr17-35118514-T-C. GRCh37 (hg19) VCF-style: chr17-33445533-T-C.
Other names: c.144+597A>G (NM_133629.3, NM_001142571.2); short protein forms T84A.
Identifiers: ClinVar variation 185051 (VCV000185051.17), dbSNP rs200018296, ClinGen allele CA190879.

ClinVar aggregate classification (germline): Uncertain significance. Review status: criteria provided, multiple submitters, no conflicts (2 of 4 stars). 3 submissions from 3 submitters: Uncertain significance (3). Last evaluated 2025-11-23.

Conditions:
Hereditary cancer-predisposing syndrome. Also called: Hereditary neoplastic syndrome; Neoplastic Syndromes, Hereditary; Tumor predisposition; Hereditary Cancer Syndrome. Identifiers: Orphanet 140162, MedGen C0027672, MeSH D009386, MONDO:0015356.
Breast-ovarian cancer, familial, susceptibility to, 4. Identifiers: Orphanet 145, MedGen C3280345, MONDO:0013669, OMIM 614291.

Allele frequency attached by ClinVar (database versions not stated): gnomAD exomes below 0.00001 and 0.00001; ExAC 0.00002; gnomAD 0.00004; TOPMed 0.00004; 1000 Genomes Project 30x 0.00016; 1000 Genomes Project 0.00020.
gnomAD v4.1: 7 of 1,613,722 alleles (0.00043%); highest among the groups gnomAD compares: African/African-American, 0.008%; no homozygotes.

Submissions (3):

Labcorp Genetics (formerly Invitae), Labcorp
Classification: Uncertain significance for Breast-ovarian cancer, familial, susceptibility to, 4. Last evaluated: 2025-11-23. Review status: criteria provided, single submitter. Criteria: Invitae Variant Classification Sherloc (09022015). Collection method: clinical testing. Allele origin: germline.
Comment: This sequence change replaces threonine, which is neutral and polar, with alanine, which is neutral and non-polar, at codon 84 of the RAD51D protein (p.Thr84Ala). This variant is present in population databases (rs200018296, gnomAD 0.01%). This missense change has been observed in individual(s) with breast cancer (PMID: 35039564). ClinVar contains an entry for this variant (Variation ID: 185051). Invitae Evidence Modeling of protein sequence and biophysical properties (such as structural, functional, and spatial information, amino acid conservation, physicochemical variation, residue mobility, and thermodynamic stability) indicates that this missense variant is expected to disrupt RAD51D protein function with a positive predictive value of 80%. In summary, the available evidence is currently insufficient to determine the role of this variant in disease. Therefore, it has been classified as a Variant of Uncertain Significance.

Ambry Genetics
Classification: Uncertain significance for Hereditary cancer-predisposing syndrome. Last evaluated: 2024-08-05. Review status: criteria provided, single submitter. Criteria: Ambry Variant Classification Scheme 2023. Collection method: clinical testing. Allele origin: germline.
Comment: The p.T84A variant (also known as c.250A>G), located in coding exon 3 of the RAD51D gene, results from an A to G substitution at nucleotide position 250. The threonine at codon 84 is replaced by alanine, an amino acid with similar properties. This amino acid position is highly conserved in available vertebrate species. In addition, this alteration is predicted to be deleterious by in silico analysis. Since supporting evidence is limited at this time, the clinical significance of this alteration remains unclear.

Color Diagnostics, LLC DBA Color Health
Classification: Uncertain significance for Hereditary cancer-predisposing syndrome. Last evaluated: 2019-04-03. Review status: criteria provided, single submitter. Criteria: ACMG Guidelines, 2015. Collection method: clinical testing. Allele origin: germline.

Literature cited by the submitters: PubMed 35039564 (cited by Labcorp Genetics (formerly Invitae), Labcorp).